The following is an entry in ClinVar:

NM_003002.4(SDHD):c.225G>C (p.Leu75Phe)

Gene: SDHD (succinate dehydrogenase complex subunit D; plus strand). Cytogenetic location: 11q23.1.
Variant type: single nucleotide variant.
Coding change: c.225G>C on transcript NM_003002.4 (MANE Select); coding-DNA position 225, G replaced by C.
Protein change: p.Leu75Phe; replaces leucine 75 with phenylalanine.
Molecular consequence: missense variant. On other transcripts: non-coding transcript variant (1), intron variant (1).
Genome position (GRCh38, 1-based): chr11:112,088,922, G>C. VCF-style: chr11-112088922-G-C. GRCh37 (hg19) VCF-style: chr11-111959646-G-C.
Other names: c.108G>C, p.Leu36Phe (NM_001276504.2); c.225G>C, p.Leu75Phe (NM_001276506.2); c.169+949G>C (NM_001276503.2); short protein forms L36F, L75F.
Identifiers: ClinVar variation 955758 (VCV000955758.11), dbSNP rs1865687714, ClinGen allele CA382617266.

ClinVar aggregate classification (germline): Uncertain significance (1 of 4 stars; one submission).

Conditions:
Pheochromocytoma. Also called: MAX-Related Hereditary Paraganglioma-Pheochromocytoma Syndrome. Identifiers: Orphanet 29072, MedGen C0031511, MONDO:0008233, OMIM 171300, HP:0002666.
Paragangliomas with sensorineural hearing loss. Identifiers: MedGen C1868633.
Carney-Stratakis syndrome. Also called: PARAGANGLIOMA AND GASTROINTESTINAL STROMAL TUMOR. Identifiers: Orphanet 97286, MedGen C1847319, MONDO:0011740, OMIM 606864.
Cowden syndrome 3 (CWS3). Identifiers: Orphanet 201, MedGen CN166604, MONDO:0014045.

Submission:

Labcorp Genetics (formerly Invitae), Labcorp
Classification: Uncertain significance for Carney-Stratakis syndrome; Paragangliomas with sensorineural hearing loss; Pheochromocytoma; Cowden syndrome 3. Last evaluated: 2022-10-24. Review status: criteria provided, single submitter. Criteria: Invitae Variant Classification Sherloc (09022015). Collection method: clinical testing. Allele origin: germline.
Comment: This variant is not present in population databases (gnomAD no frequency). In summary, the available evidence is currently insufficient to determine the role of this variant in disease. Therefore, it has been classified as a Variant of Uncertain Significance. Algorithms developed to predict the effect of missense changes on protein structure and function output the following: SIFT: "Tolerated"; PolyPhen-2: "Benign"; Align-GVGD: "Class C0". The phenylalanine amino acid residue is found in multiple mammalian species, which suggests that this missense change does not adversely affect protein function. ClinVar contains an entry for this variant (Variation ID: 955758). This variant has not been reported in the literature in individuals affected with SDHD-related conditions. This sequence change replaces leucine, which is neutral and non-polar, with phenylalanine, which is neutral and non-polar, at codon 75 of the SDHD protein (p.Leu75Phe).